The following is an entry in ClinVar:

ClinVar aggregate classification (germline): Uncertain significance (1 of 4 stars; one submission).

Conditions:
Leigh syndrome (NULS). Also called: Leigh's necrotizing encephalopathy; Leigh's disease; Leigh's syndrome; LEIGH SYNDROME, NUCLEAR; Leigh Syndrome (mtDNA deletion); Leigh Disease. Identifiers: Orphanet 506, MedGen C2931891, MONDO:0009723, OMIM 256000.

Submission:

Wong Mito Lab, Molecular and Human Genetics, Baylor College of Medicine
Classification: Uncertain significance for Leigh syndrome. Last evaluated: 2019-10-17. Review status: criteria provided, single submitter. Criteria: Modified ACMG Guidelines (Unpublished). Collection method: clinical testing. Allele origin: germline.
Comment: The NC_012920.1:m.13664T>C (YP_003024036.1:p.Ile443Thr) variant in MTND5 gene is interpretated to be a Uncertain Significance variant based on the modified ACMG guidelines (unpublished). This variant meets the following evidence codes: PP7

NC_012920.1(MT-ND5):m.13664T>C

Gene: MT-ND5 (mitochondrially encoded NADH dehydrogenase 5; plus strand).
Variant type: single nucleotide variant.
Genome position: chrM-13664-T-C.
Identifiers: ClinVar variation 693589 (VCV000693589.1), dbSNP rs1603224295, ClinGen allele CA414818977.